The following is an entry in ClinVar:

ClinVar aggregate classification (germline): Pathogenic. Review status: criteria provided, multiple submitters, no conflicts (2 of 4 stars). 3 submissions from 3 submitters: Pathogenic (3). Last evaluated 2025-08-03.

Conditions:
Hereditary cancer-predisposing syndrome. Also called: Neoplastic Syndromes, Hereditary; Tumor predisposition; Hereditary Cancer Syndrome; Hereditary neoplastic syndrome. Identifiers: Orphanet 140162, MedGen C0027672, MeSH D009386, MONDO:0015356.
Lynch syndrome 5 (LYNCH5). Also called: Colorectal cancer, hereditary nonpolyposis, type 5; Hereditary non-polyposis colorectal cancer, type 5. Identifiers: Orphanet 144, MedGen C1833477, MONDO:0013710, OMIM 614350. Disease mechanism: loss of function.
Hereditary nonpolyposis colorectal neoplasms. Identifiers: MedGen C0009405, MeSH D003123.

Submissions (3):

Labcorp Genetics (formerly Invitae), Labcorp
Classification: Pathogenic for Hereditary nonpolyposis colorectal neoplasms. Last evaluated: 2025-08-03. Review status: criteria provided, single submitter. Criteria: Invitae Variant Classification Sherloc (09022015). Collection method: clinical testing. Allele origin: germline.
Comment: This sequence change creates a premature translational stop signal (p.Gly1265Aspfs*7) in the MSH6 gene. It is expected to result in an absent or disrupted protein product. Loss-of-function variants in MSH6 are known to be pathogenic (PMID: 18269114, 24362816). This variant is not present in population databases (gnomAD no frequency). This variant has not been reported in the literature in individuals affected with MSH6-related conditions. ClinVar contains an entry for this variant (Variation ID: 483870). For these reasons, this variant has been classified as Pathogenic.

Ambry Genetics
Classification: Pathogenic for Hereditary cancer-predisposing syndrome. Last evaluated: 2024-09-23. Review status: criteria provided, single submitter. Criteria: Ambry Variant Classification Scheme 2023. Collection method: clinical testing. Allele origin: germline.
Comment: The c.3792delA variant, located in coding exon 8 of the MSH6 gene, results from a deletion of one nucleotide at nucleotide position 3792, causing a translational frameshift with a predicted alternate stop codon (p.G1265Dfs*7). This variant is considered to be rare based on population cohorts in the Genome Aggregation Database (gnomAD). This alteration is expected to result in loss of function by premature protein truncation or nonsense-mediated mRNA decay. As such, this alteration is interpreted as a disease-causing mutation.

Myriad Genetics, Inc.
Classification: Pathogenic for Lynch syndrome 5. Last evaluated: 2023-08-25. Review status: criteria provided, single submitter. Criteria: Myriad Autosomal Dominant, Autosomal Recessive and X-Linked Classification Criteria (2023). Collection method: clinical testing. Allele origin: unknown.
Comment: This variant is considered pathogenic. This variant creates a frameshift predicted to result in premature protein truncation.

Literature cited by the submitters: PubMed 18269114 (cited by Labcorp Genetics (formerly Invitae), Labcorp); PubMed 24362816 (cited by Labcorp Genetics (formerly Invitae), Labcorp).

NM_000179.3(MSH6):c.3792del (p.Gly1265fs)

Gene: MSH6 (mutS homolog 6; plus strand). Cytogenetic location: 2p16.3.
Variant type: Deletion.
Coding change: c.3792del on transcript NM_000179.3 (MANE Select); coding-DNA position 3792, one base deleted (A; older notation c.3792delA).
Protein change: p.Gly1265fs; shifts the reading frame from glycine 1265.
Molecular consequence: frameshift variant.
Genome position (GRCh38, 1-based): chr2:47,806,349, A deleted. VCF-style (leftmost placement, unchanged base first): chr2-47806348-TA-T. GRCh37 (hg19) VCF-style: chr2-48033487-TA-T.
Other names: c.3402del, p.Gly1135fs (NM_001281492.2); c.2886del, p.Gly963fs (NM_001281493.2, NM_001281494.2); c.3792delA (NM_000179.2); short protein forms G1265fs, G963fs, G1135fs.
Identifiers: ClinVar variation 483870 (VCV000483870.10), dbSNP rs1553333164, ClinGen allele CA658655737.
Genomic context (GRCh38, chr2:47,806,348, plus strand): 5'-TATTTTCAACTCACTACCATTCATTAGTAGAAGATTATTCTCAAAATGTTGCTGTGCGCC[TA>T]GGACATATGGTATGTGCAAATTGTTTTTTTCCACAAATTCGGTTTTTTGAGAGGGCACTT-3'